The following is an entry in ClinVar:

NM_017534.6(MYH2):c.4195C>A (p.Leu1399Met)

Genes: MYHAS (myosin heavy chain gene cluster antisense RNA; plus strand), MYH2 (myosin heavy chain 2; minus strand). Cytogenetic location: 17p13.1.
Variant type: single nucleotide variant.
Coding change: c.4195C>A on transcript NM_017534.6 (MANE Select); coding-DNA position 4195, C replaced by A.
Protein change: p.Leu1399Met; replaces leucine 1399 with methionine.
Molecular consequence: missense variant.
Genome position (GRCh38, 1-based): chr17:10,525,869, G>T on the plus strand (C>A on the coding strand, the complement: MYH2 is on the minus strand). VCF-style: chr17-10525869-G-T. GRCh37 (hg19) VCF-style: chr17-10429186-G-T.
Other names: c.4195C>A, p.Leu1399Met (NM_001100112.2); short protein forms L1399M.
Identifiers: ClinVar variation 2193417 (VCV002193417.5), dbSNP rs772840544, ClinGen allele CA8390693.

ClinVar aggregate classification (germline): Uncertain significance. Review status: criteria provided, multiple submitters, no conflicts (2 of 4 stars). 2 submissions from 2 submitters: Uncertain significance (2). Last evaluated 2024-12-24.

Conditions:
Myopathy, proximal, and ophthalmoplegia (CMYO6). Also called: INCLUSION BODY MYOPATHY 3, AUTOSOMAL DOMINANT; CONGENITAL MYOPATHY 6 WITH OPHTHALMOPLEGIA; MYOPATHY WITH CONGENITAL JOINT CONTRACTURES, OPHTHALMOPLEGIA, AND RIMMED VACUOLES. Identifiers: Orphanet 363677, Orphanet 79091, MedGen C1854106, MONDO:0011577, OMIM 605637.

Allele frequency attached by ClinVar (database versions not stated): TOPMed 0.00001; gnomAD 0.00004; ExAC 0.00005.
gnomAD v4.1: 54 of 1,614,010 alleles (0.0033%); highest among the groups gnomAD compares: South Asian, 0.024%; 1 homozygote.

Submissions (2):

Revvity Omics, Revvity
Classification: Uncertain significance for Myopathy, proximal, and ophthalmoplegia. Last evaluated: 2024-12-24. Review status: criteria provided, single submitter. Criteria: ACMG Guidelines, 2015. Collection method: clinical testing. Allele origin: germline.

Labcorp Genetics (formerly Invitae), Labcorp
Classification: Uncertain significance for Myopathy, proximal, and ophthalmoplegia. Last evaluated: 2022-06-02. Review status: criteria provided, single submitter. Criteria: Invitae Variant Classification Sherloc (09022015). Collection method: clinical testing. Allele origin: germline.
Comment: This sequence change replaces leucine, which is neutral and non-polar, with methionine, which is neutral and non-polar, at codon 1399 of the MYH2 protein (p.Leu1399Met). This variant is present in population databases (rs772840544, gnomAD 0.03%), including at least one homozygous and/or hemizygous individual. This variant has not been reported in the literature in individuals affected with MYH2-related conditions. Algorithms developed to predict the effect of missense changes on protein structure and function are either unavailable or do not agree on the potential impact of this missense change (SIFT: "Deleterious"; PolyPhen-2: "Probably Damaging"; Align-GVGD: "Class C0"). In summary, the available evidence is currently insufficient to determine the role of this variant in disease. Therefore, it has been classified as a Variant of Uncertain Significance.